The following is an entry in ClinVar:

ClinVar aggregate classification (germline): Pathogenic (1 of 4 stars; one submission).

Conditions:
Ehlers-Danlos syndrome, classic type, 1 (EDSCL1). Also called: EHLERS-DANLOS SYNDROME, GRAVIS TYPE; EHLERS-DANLOS SYNDROME, SEVERE CLASSIC TYPE; EDS I; Ehlers-Danlos Syndrome, Classic Type, COL5A1-Related; Ehlers-Danlos syndrome, type 1. Identifiers: MedGen C0268335, MONDO:0019567, OMIM 130000.

Submission:

Labcorp Genetics (formerly Invitae), Labcorp
Classification: Pathogenic for Ehlers-Danlos syndrome, classic type, 1. Last evaluated: 2017-03-13. Review status: criteria provided, single submitter. Criteria: Invitae Variant Classification Sherloc (09022015). Collection method: clinical testing. Allele origin: germline.
Comment: This sequence change deletes 5 nucleotides from exon 61 of the COL5A1 mRNA (c.4656_4660delCCCGA), causing a frameshift at codon 1553. This creates a premature translational stop signal (p.Pro1553Glyfs*2) and is expected to result in an absent or disrupted protein product. For these reasons, this variant has been classified as Pathogenic. While this particular variant has not been reported in the literature, loss-of-function variants in COL5A1 are known to be pathogenic (PMID: 23587214).

Literature cited by the submitters: PubMed 23587214.

NM_000093.5(COL5A1):c.4656_4660del (p.Pro1553fs)

Genes: COL5A1 (collagen type V alpha 1 chain; plus strand), LOC101448202 (uncharacterized LOC101448202; minus strand). Cytogenetic location: 9q34.3.
Variant type: Deletion.
Coding change: c.4656_4660del on transcript NM_000093.5 (MANE Select); coding-DNA positions 4656 to 4660, 5 bases deleted (CCCGA; older notation c.4656_4660delCCCGA).
Protein change: p.Pro1553fs; shifts the reading frame from proline 1553.
Molecular consequence: frameshift variant.
Genome position (GRCh38, 1-based): chr9:134,823,427-134,823,431, CCCGA deleted. VCF-style (leftmost placement, unchanged base first): chr9-134823426-GCCCGA-G. GRCh37 (hg19) VCF-style: chr9-137715272-GCCCGA-G.
Other names: c.4656_4660del, p.Pro1553fs (NM_001278074.1); c.4656_4660delCCCGA (NM_000093.4); short protein forms P1553fs.
Identifiers: ClinVar variation 459702 (VCV000459702.8), dbSNP rs1554807812, ClinGen allele CA658657941.